The following is an entry in ClinVar:

ClinVar aggregate classification (germline): Uncertain significance (1 of 4 stars; one submission).

gnomAD v4.1: 1 of 1,614,006 alleles (0.000062%); highest among the groups gnomAD compares: Non-Finnish European, 0.000085%; no homozygotes.

Submission:

Ambry Genetics
Classification: Uncertain significance. Last evaluated: 2025-10-31. Review status: criteria provided, single submitter. Criteria: Ambry Variant Classification Scheme 2023. Collection method: clinical testing. Allele origin: germline.
Comment: The p.P874L variant (also known as c.2621C>T), located in coding exon 1 of the TET2 gene, results from a C to T substitution at nucleotide position 2621. The proline at codon 874 is replaced by leucine, an amino acid with similar properties. This amino acid position is conserved. In addition, this alteration is predicted to be tolerated by in silico analysis. Based on the available evidence, the clinical significance of this variant remains unclear.

NM_001127208.3(TET2):c.2621C>T (p.Pro874Leu)

Genes: TET2 (tet methylcytosine dioxygenase 2; plus strand), TET2-AS1 (TET2 antisense RNA 1; minus strand). Cytogenetic location: 4q24.
Variant type: single nucleotide variant.
Coding change: c.2621C>T on transcript NM_001127208.3 (MANE Select); coding-DNA position 2621, C replaced by T.
Protein change: p.Pro874Leu; replaces proline 874 with leucine.
Molecular consequence: missense variant.
Genome position (GRCh38, 1-based): chr4:105,236,563, C>T. VCF-style: chr4-105236563-C-T. GRCh37 (hg19) VCF-style: chr4-106157720-C-T.
Other names: c.2621C>T, p.Pro874Leu (NM_017628.4); short protein forms P874L.
Identifiers: ClinVar variation 4594180 (VCV004594180.1).